The following is an entry in ClinVar:

ClinVar aggregate classification (germline): Uncertain significance (1 of 4 stars; one submission).

gnomAD v4.1: 1 of 1,538,662 alleles (0.000065%); highest among the groups gnomAD compares: Non-Finnish European, 0.000088%; no homozygotes.

Submission:

CeGaT Center for Human Genetics Tuebingen
Classification: Uncertain significance. Last evaluated: 2026-05-01. Review status: criteria provided, single submitter. Criteria: CeGaT Center For Human Genetics Tuebingen Variant Classification Criteria Version 2. Collection method: clinical testing. Allele origin: germline. Affected: yes. Observed: 1 variant allele.
Comment: PTPRQ: PM2, BP4

NM_001145026.2(PTPRQ):c.5363T>G (p.Val1788Gly)

Gene: PTPRQ (protein tyrosine phosphatase receptor type Q; plus strand). Cytogenetic location: 12q21.31.
Variant type: single nucleotide variant.
Coding change: c.5363T>G on transcript NM_001145026.2 (MANE Select); coding-DNA position 5363, T replaced by G.
Protein change: p.Val1788Gly; replaces valine 1788 with glycine.
Molecular consequence: missense variant.
Genome position (GRCh38, 1-based): chr12:80,619,516, T>G. VCF-style: chr12-80619516-T-G. GRCh37 (hg19) VCF-style: chr12-81013295-T-G.
Other names: short protein forms V1788G.
Identifiers: ClinVar variation 4874218 (VCV004874218.2).